The following is an entry in ClinVar:

ClinVar aggregate classification (germline): Likely pathogenic (1 of 4 stars; one submission).

Conditions:
Autosomal recessive nonsyndromic hearing loss 7. Also called: DEAFNESS, AUTOSOMAL RECESSIVE 11. Identifiers: Orphanet 90636, MedGen C1832978, MONDO:0010967, OMIM 600974.

Submission:

Laboratory of Molecular, Cellular and Translation Genetics in Otolaryngology/ Lim32-hcfmusp, University of Sao Paulo School of Medicine Clinics Hospital
Classification: Likely pathogenic for Autosomal recessive nonsyndromic hearing loss 7. Last evaluated: 2026-04-30. Review status: criteria provided, single submitter. Criteria: ACMG Guidelines, 2015. Collection method: research. Allele origin: germline. Affected: yes.
Comment: NM_138691.3:c.2175delA : p.(Ala726Argfs*9). This variant has been classified as likely pathogenic. It is absent from population databases (PM2) and represents a frameshift (loss-of-function) variant in a gene in which loss of function is an established disease mechanism (PVS1). These findings support the causative role of this variant in autosomal recessive hearing loss as described in PMID: 42233699.

Literature cited by the submitters: PubMed 42233699.

NM_138691.3(TMC1):c.2175del (p.Ala726fs)

Gene: TMC1 (transmembrane channel like 1; plus strand). Cytogenetic location: 9q21.13.
Variant type: Deletion.
Coding change: c.2175del on transcript NM_138691.3 (MANE Select); coding-DNA position 2175, one base deleted (A; older notation c.2175delA).
Protein change: p.Ala726fs; shifts the reading frame from alanine 726.
Molecular consequence: frameshift variant.
Genome position (GRCh38, 1-based): chr9:72,830,496, A deleted. VCF-style (leftmost placement, unchanged base first): chr9-72830495-CA-C. GRCh37 (hg19) VCF-style: chr9-75445411-CA-C.
Other names: c.2175delA (NM_138691.3); short protein forms A726fs.
Identifiers: ClinVar variation 4852119 (VCV004852119.2).
Genomic context (GRCh38, chr9:72,830,495, plus strand): 5'-TTTCTTTTTAATTTAGTTTGGCCATCTATTATCTCAATGCTACTGCCAAGGGCCAGAAGG[CA>C]GCGAATCTGGATCTCAAAAAGAAGATGAAAATGGTATGATACAATTTATTTCATAGAAAT-3'